The following is an entry in ClinVar:

ClinVar aggregate classification (germline): Uncertain significance (1 of 4 stars; one submission).

Allele frequency attached by ClinVar (database versions not stated): gnomAD exomes below 0.00001 and 0.00002; gnomAD 0.00001; TOPMed 0.00001.
gnomAD v4.1: 29 of 1,613,642 alleles (0.0018%); highest among the groups gnomAD compares: Non-Finnish European, 0.0024%; no homozygotes.

Submission:

Labcorp Genetics (formerly Invitae), Labcorp
Classification: Uncertain significance. Last evaluated: 2022-07-19. Review status: criteria provided, single submitter. Criteria: Invitae Variant Classification Sherloc (09022015). Collection method: clinical testing. Allele origin: germline.
Comment: In summary, the available evidence is currently insufficient to determine the role of this variant in disease. Therefore, it has been classified as a Variant of Uncertain Significance. Algorithms developed to predict the effect of missense changes on protein structure and function are either unavailable or do not agree on the potential impact of this missense change (SIFT: "Deleterious"; PolyPhen-2: "Not Available"; Align-GVGD: "Class C15"). ClinVar contains an entry for this variant (Variation ID: 950191). This variant has not been reported in the literature in individuals affected with PDZD7-related conditions. This variant is present in population databases (no rsID available, gnomAD 0.0009%). This sequence change replaces valine, which is neutral and non-polar, with methionine, which is neutral and non-polar, at codon 136 of the PDZD7 protein (p.Val136Met).

NM_001195263.2(PDZD7):c.406G>A (p.Val136Met)

Gene: PDZD7 (PDZ domain containing 7; minus strand). Cytogenetic location: 10q24.31.
Variant type: single nucleotide variant.
Coding change: c.406G>A on transcript NM_001195263.2 (MANE Select); coding-DNA position 406, G replaced by A.
Protein change: p.Val136Met; replaces valine 136 with methionine.
Molecular consequence: missense variant.
Genome position (GRCh38, 1-based): chr10:101,023,572, C>T on the plus strand (G>A on the coding strand, the complement: PDZD7 is on the minus strand). VCF-style: chr10-101023572-C-T. GRCh37 (hg19) VCF-style: chr10-102783329-C-T.
Other names: c.406G>A, p.Val136Met (NM_001351044.2, NM_024895.5); short protein forms V136M.
Identifiers: ClinVar variation 950191 (VCV000950191.9), dbSNP rs1164787831, ClinGen allele CA378230747.